The following is an entry in ClinVar:

ClinVar aggregate classification (germline): Conflicting classifications of pathogenicity. Review status: criteria provided, conflicting classifications (1 of 4 stars). 3 submissions from 3 submitters: Uncertain significance (2); Likely benign (1). Last evaluated 2024-09-30.

Conditions:
Currarino triad. Identifiers: Orphanet 1552, MedGen C1531773, MONDO:0008305, OMIM 176450.
Inborn genetic diseases. Identifiers: MedGen C0950123, MeSH D030342.

Allele frequency attached by ClinVar (database versions not stated): ExAC 0.00002; gnomAD 0.00002.
gnomAD v4.1: 67 of 1,610,632 alleles (0.0042%); highest among the groups gnomAD compares: Non-Finnish European, 0.0057%; no homozygotes.

Submissions (3):

Ambry Genetics
Classification: Uncertain significance for Inborn genetic diseases. Last evaluated: 2024-09-30. Review status: criteria provided, single submitter. Criteria: Ambry Variant Classification Scheme 2023. Collection method: clinical testing. Allele origin: germline.

Fulgent Genetics
Classification: Likely benign for Currarino triad. Last evaluated: 2024-04-06. Review status: criteria provided, single submitter. Criteria: ACMG Guidelines, 2015. Collection method: clinical testing. Allele origin: germline.

Labcorp Genetics (formerly Invitae), Labcorp
Classification: Uncertain significance. Last evaluated: 2023-11-13. Review status: criteria provided, single submitter. Criteria: Invitae Variant Classification Sherloc (09022015). Collection method: clinical testing. Allele origin: germline.
Comment: This sequence change replaces aspartic acid, which is acidic and polar, with glutamic acid, which is acidic and polar, at codon 353 of the MNX1 protein (p.Asp353Glu). This variant is present in population databases (rs756772840, gnomAD 0.004%). This variant has not been reported in the literature in individuals affected with MNX1-related conditions. An algorithm developed to predict the effect of missense changes on protein structure and function (PolyPhen-2) suggests that this variant is likely to be disruptive. In summary, the available evidence is currently insufficient to determine the role of this variant in disease. Therefore, it has been classified as a Variant of Uncertain Significance.

NM_005515.4(MNX1):c.1059C>A (p.Asp353Glu)

Gene: MNX1 (motor neuron and pancreas homeobox 1; minus strand). Cytogenetic location: 7q36.3.
Variant type: single nucleotide variant.
Coding change: c.1059C>A on transcript NM_005515.4 (MANE Select); coding-DNA position 1059, C replaced by A.
Protein change: p.Asp353Glu; replaces aspartic acid 353 with glutamic acid.
Molecular consequence: missense variant.
Genome position (GRCh38, 1-based): chr7:157,005,667, G>T on the plus strand (C>A on the coding strand, the complement: MNX1 is on the minus strand). VCF-style: chr7-157005667-G-T. GRCh37 (hg19) VCF-style: chr7-156798361-G-T.
Other names: c.423C>A, p.Asp141Glu (NM_001165255.2); c.1059C>A (NM_005515.3); short protein forms D353E, D141E.
Identifiers: ClinVar variation 2961800 (VCV002961800.5), dbSNP rs756772840, ClinGen allele CA4589127.